The following is an entry in ClinVar:

ClinVar aggregate classification (germline): Uncertain significance (1 of 4 stars; one submission).

Submission:

Labcorp Genetics (formerly Invitae), Labcorp
Classification: Uncertain significance. Last evaluated: 2019-07-09. Review status: criteria provided, single submitter. Criteria: Invitae Variant Classification Sherloc (09022015). Collection method: clinical testing. Allele origin: germline.
Comment: This variant is not present in population databases (ExAC no frequency). This sequence change replaces serine with isoleucine at codon 34 of the CHRM2 protein (p.Ser34Ile). The serine residue is highly conserved and there is a large physicochemical difference between serine and isoleucine. This variant has not been reported in the literature in individuals with CHRM2-related conditions. Algorithms developed to predict the effect of missense changes on protein structure and function are either unavailable or do not agree on the potential impact of this missense change (SIFT: "Deleterious"; PolyPhen-2: "Probably Damaging"; Align-GVGD: "Class C15"). In summary, the available evidence is currently insufficient to determine the role of this variant in disease. Therefore, it has been classified as a Variant of Uncertain Significance.

NM_001006630.2(CHRM2):c.101G>T (p.Ser34Ile)

Genes: CHRM2 (cholinergic receptor muscarinic 2; plus strand), LOC349160 (uncharacterized LOC349160; minus strand). Cytogenetic location: 7q33.
Variant type: single nucleotide variant.
Coding change: c.101G>T on transcript NM_001006630.2 (MANE Select); coding-DNA position 101, G replaced by T.
Protein change: p.Ser34Ile; replaces serine 34 with isoleucine.
Molecular consequence: missense variant.
Genome position (GRCh38, 1-based): chr7:137,014,966, G>T. VCF-style: chr7-137014966-G-T. GRCh37 (hg19) VCF-style: chr7-136699713-G-T.
Other names: c.101G>T, p.Ser34Ile (NM_000739.3, NM_001006626.3, NM_001006627.3 and 6 more transcripts); short protein forms S34I.
Identifiers: ClinVar variation 949313 (VCV000949313.9), dbSNP rs1805074915, ClinGen allele CA369485735.